The following is an entry in ClinVar:

NM_001205293.3(CACNA1E):c.5267+4C>T

Gene: CACNA1E (calcium voltage-gated channel subunit alpha1 E; plus strand). Cytogenetic location: 1q25.3.
Variant type: single nucleotide variant.
Coding change: c.5267+4C>T on transcript NM_001205293.3 (MANE Select); 4 bases into the intron after coding-DNA position 5267, C replaced by T.
Molecular consequence: intron variant.
Genome position (GRCh38, 1-based): chr1:181,776,232, C>T. VCF-style: chr1-181776232-C-T. GRCh37 (hg19) VCF-style: chr1-181745368-C-T.
Other names: c.5267+4C>T (NM_000721.4); c.5210+4C>T (NM_001205294.2).
Identifiers: ClinVar variation 3680806 (VCV003680806.2).

ClinVar aggregate classification (germline): Uncertain significance (1 of 4 stars; one submission).

gnomAD v4.1: 2 of 1,613,900 alleles (0.00012%); highest among the groups gnomAD compares: Non-Finnish European, 0.000085%; no homozygotes.

Submission:

Labcorp Genetics (formerly Invitae), Labcorp
Classification: Uncertain significance. Last evaluated: 2025-01-27. Review status: criteria provided, single submitter. Criteria: Invitae Variant Classification Sherloc (09022015). Collection method: clinical testing. Allele origin: germline.
Comment: This sequence change falls in intron 38 of the CACNA1E gene. It does not directly change the encoded amino acid sequence of the CACNA1E protein. It affects a nucleotide within the consensus splice site. This variant is not present in population databases (gnomAD no frequency). This variant has not been reported in the literature in individuals affected with CACNA1E-related conditions. Variants that disrupt the consensus splice site are a relatively common cause of aberrant splicing (PMID: 17576681, 9536098). Algorithms developed to predict the effect of sequence changes on RNA splicing suggest that this variant is not likely to affect RNA splicing. In summary, the available evidence is currently insufficient to determine the role of this variant in disease. Therefore, it has been classified as a Variant of Uncertain Significance.

Literature cited by the submitters: PubMed 17576681; PubMed 9536098.